The following is an entry in ClinVar:

ClinVar aggregate classification (germline): Uncertain significance (1 of 4 stars; one submission).

Submission:

Women's Health and Genetics/Laboratory Corporation of America, LabCorp
Classification: Uncertain significance. Last evaluated: 2024-07-03. Review status: criteria provided, single submitter. Criteria: LabCorp Variant Classification Summary - May 2015. Collection method: clinical testing. Allele origin: germline.
Comment: Variant summary: COL4A4 c.1469G>T (p.Gly490Val) results in a non-conservative amino acid change in the encoded protein sequence. Five of five in-silico tools predict a damaging effect of the variant on protein function. The variant was absent in 248194 control chromosomes. The available data on variant occurrences in the general population are insufficient to allow any conclusion about variant significance. To our knowledge, no occurrence of c.1469G>T in individuals affected with Alport Syndrome, Autosomal Recessive and no experimental evidence demonstrating its impact on protein function have been reported. No submitters have cited clinical-significance assessments for this variant to ClinVar. Based on the evidence outlined above, the variant was classified as uncertain significance.

NM_000092.5(COL4A4):c.1469G>T (p.Gly490Val)

Gene: COL4A4 (collagen type IV alpha 4 chain; minus strand). Cytogenetic location: 2q36.3.
Variant type: single nucleotide variant.
Coding change: c.1469G>T on transcript NM_000092.5 (MANE Select); coding-DNA position 1469, G replaced by T.
Protein change: p.Gly490Val; replaces glycine 490 with valine.
Molecular consequence: missense variant.
Genome position (GRCh38, 1-based): chr2:227,088,807, C>A on the plus strand (G>T on the coding strand, the complement: COL4A4 is on the minus strand). VCF-style: chr2-227088807-C-A. GRCh37 (hg19) VCF-style: chr2-227953523-C-A.
Other names: short protein forms G490V.
Identifiers: ClinVar variation 3339163 (VCV003339163.1).